The following is an entry in ClinVar:

NM_006379.5(SEMA3C):c.2139G>A (p.Arg713=)

Gene: SEMA3C (semaphorin 3C; minus strand). Cytogenetic location: 7q21.11.
Variant type: single nucleotide variant.
Coding change: c.2139G>A on transcript NM_006379.5 (MANE Select); coding-DNA position 2139, G replaced by A.
Protein change: p.Arg713=; no amino-acid change (arginine 713 retained).
Molecular consequence: synonymous variant.
Genome position (GRCh38, 1-based): chr7:80,745,011, C>T on the plus strand (G>A on the coding strand, the complement: SEMA3C is on the minus strand). VCF-style: chr7-80745011-C-T. GRCh37 (hg19) VCF-style: chr7-80374327-C-T.
Other names: c.2193G>A, p.Arg731= (NM_001350120.2); c.1965G>A, p.Arg655= (NM_001350121.2).
Identifiers: ClinVar variation 3357238 (VCV003357238.1).
Genomic context (GRCh38, chr7:80,745,011, plus strand): 5'-CTTTAACTTGCCATAGTCCCCTCTCATTTTCTGTGATTCATCTCCCTGCTGATGTTGCTG[C>T]CGAGTGTCTTTGCAATATTGGTTAATCATCTGCATTTCTGAGTGGCTGAATGCCCCCATG-3'
Protein context (NP_006370.1, residues 703-723): QMINQYCKDT[Arg713=]QQHQQGDESQ

ClinVar aggregate classification (germline): Likely benign (0 of 4 stars; one submission).

Conditions:
SEMA3C-related disorder. Also called: SEMA3C-related condition.

Submission:

PreventionGenetics, part of Exact Sciences
Classification: Likely benign for SEMA3C-related condition. Last evaluated: 2021-06-08. Review status: no assertion criteria provided. Collection method: clinical testing. Allele origin: germline.
Comment: This variant is classified as likely benign based on ACMG/AMP sequence variant interpretation guidelines (Richards et al. 2015 PMID: 25741868, with internal and published modifications).